The following is an entry in ClinVar:

NM_001013703.4(EIF2AK4):c.1078C>T (p.Arg360Cys)

Gene: EIF2AK4 (eukaryotic translation initiation factor 2 alpha kinase 4; plus strand). Cytogenetic location: 15q15.1.
Variant type: single nucleotide variant.
Coding change: c.1078C>T on transcript NM_001013703.4 (MANE Select); coding-DNA position 1078, C replaced by T.
Protein change: p.Arg360Cys; replaces arginine 360 with cysteine.
Molecular consequence: missense variant.
Genome position (GRCh38, 1-based): chr15:39,967,404, C>T. VCF-style: chr15-39967404-C-T. GRCh37 (hg19) VCF-style: chr15-40259605-C-T.
Other names: c.1078C>T (NM_001013703.2); short protein forms R360C.
Identifiers: ClinVar variation 994197 (VCV000994197.10), dbSNP rs750055012, ClinGen allele CA7473710.

ClinVar aggregate classification (germline): Uncertain significance. Review status: criteria provided, multiple submitters, no conflicts (2 of 4 stars). 2 submissions from 2 submitters: Uncertain significance (2). Last evaluated 2021-08-17.

Conditions:
Inborn genetic diseases. Identifiers: MedGen C0950123, MeSH D030342.
Familial pulmonary capillary hemangiomatosis (PVOD2). Also called: Pulmonary venoocclusive disease 2; Pulmonary venoocclusive disease 2, autosomal recessive. Identifiers: Orphanet 199241, MedGen C0340848, MONDO:0009329, OMIM 234810.

Allele frequency attached by ClinVar (database versions not stated): gnomAD 0.00001; gnomAD exomes 0.00001 and 0.00002; TOPMed 0.00002; ExAC 0.00004.
gnomAD v4.1: 18 of 1,612,524 alleles (0.0011%); highest among the groups gnomAD compares: African/African-American, 0.0027%; no homozygotes.

Submissions (2):

Ambry Genetics
Classification: Uncertain significance for Inborn genetic diseases. Last evaluated: 2021-08-17. Review status: criteria provided, single submitter. Criteria: Ambry Variant Classification Scheme 2023. Collection method: clinical testing. Allele origin: germline.

ARUP Laboratories, Molecular Genetics and Genomics, ARUP Laboratories
Classification: Uncertain significance for Familial pulmonary capillary hemangiomatosis. Last evaluated: 2019-12-14. Review status: criteria provided, single submitter. Criteria: ARUP Molecular Germline Variant Investigation Process. Collection method: clinical testing. Allele origin: germline.
Comment: The EIF2AK4 c.1078C>T; p.Arg360Cys variant (rs750055012), to our knowledge, is not reported in the medical literature or gene specific databases. This variant is only observed on seven alleles in the Genome Aggregation Database, indicating it is not a common polymorphism. The arginine at codon 360 is moderately conserved, and computational analyses (SIFT, PolyPhen-2) predict that this variant is deleterious. Due to limited information, the clinical significance of the p.Arg360Cys variant is uncertain at this time.